The following is an entry in ClinVar:

NM_002778.4(PSAP):c.1375G>T (p.Glu459Ter)

Gene: PSAP (prosaposin; minus strand). Cytogenetic location: 10q22.1.
Variant type: single nucleotide variant.
Coding change: c.1375G>T on transcript NM_002778.4 (MANE Select); coding-DNA position 1375, G replaced by T.
Protein change: p.Glu459Ter; replaces glutamic acid 459 with a stop codon.
Molecular consequence: nonsense.
Genome position (GRCh38, 1-based): chr10:71,819,087, C>A on the plus strand (G>T on the coding strand, the complement: PSAP is on the minus strand). VCF-style: chr10-71819087-C-A. GRCh37 (hg19) VCF-style: chr10-73578844-C-A.
Other names: c.1384G>T, p.Glu462Ter (NM_001042465.3); c.1381G>T, p.Glu461Ter (NM_001042466.3); short protein forms E459*, E461*, E462*.
Identifiers: ClinVar variation 4815076 (VCV004815076.1).
Genomic context (GRCh38, chr10:71,819,087, plus strand): 5'-TCACCAAGCACACGAAGGAAGGATCCATCACCTCCACCAGGATCTCGATCAGCACGGGCT[C>A]GTACTCTGCCACAAACTGATCACACTATAAAGGAAAGTGGGGACACAGGTCCAGCTCTGG-3'

ClinVar aggregate classification (germline): Likely pathogenic (1 of 4 stars; one submission).

Conditions:
Metachromatic leukodystrophy (MLD). Also called: Cerebral sclerosis diffuse metachromatic form; Arylsulfatase A Deficiency; ARSA DEFICIENCY; CEREBROSIDE SULFATASE DEFICIENCY; METACHROMATIC LEUKOENCEPHALOPATHY; SULFATIDE LIPIDOSIS. Identifiers: Orphanet 512, MedGen C0023522, MONDO:0018868, OMIM 250100.

Submission:

Natera, Inc.
Classification: Likely pathogenic for Metachromatic leukodystrophy. Last evaluated: 2024-02-23. Review status: criteria provided, single submitter. Criteria: Natera Variant Classification Schema (03/2026). Collection method: clinical testing. Allele origin: germline.
Comment: The c.1375G>T variant in PSAP is a nonsense variant predicted to introduce a stop codon at amino acid 459. This variant is expected to result in nonsense mediated decay, truncation, or a dysfunctional protein product. This variant is rare in the general population with a frequency below the threshold expected for the associated phenotype(s). Given the available evidence, this variant is classified as Likely Pathogenic.